The following is an entry in ClinVar:

ClinVar aggregate classification (germline): Uncertain significance. Review status: criteria provided, multiple submitters, no conflicts (2 of 4 stars). 2 submissions from 2 submitters: Uncertain significance (2). Last evaluated 2021-11-01.

Conditions:
Developmental and epileptic encephalopathy, 9 (DEE9). Also called: JUBERG-HELLMAN SYNDROME; Early infantile epileptic encephalopathy 9; PCDH19-Related X-Linked Female-Limited Epilepsy with Mental Retardation; EPILEPSY, FEMALE-RESTRICTED, WITH MENTAL RETARDATION. Identifiers: Orphanet 101039, Orphanet 2076, MedGen C1848137, MONDO:0010246, OMIM 300088. Disease mechanism: loss of function.

Submissions (2):

CeGaT Center for Human Genetics Tuebingen
Classification: Uncertain significance. Last evaluated: 2021-11-01. Review status: criteria provided, single submitter. Criteria: CeGaT Center For Human Genetics Tuebingen Variant Classification Criteria Version 2. Collection method: clinical testing. Allele origin: germline. Affected: yes. Observed: 1 variant allele.

Labcorp Genetics (formerly Invitae), Labcorp
Classification: Uncertain significance for Developmental and epileptic encephalopathy, 9. Last evaluated: 2019-10-03. Review status: criteria provided, single submitter. Criteria: Invitae Variant Classification Sherloc (09022015). Collection method: clinical testing. Allele origin: germline.
Comment: In summary, the available evidence is currently insufficient to determine the role of this variant in disease. Therefore, it has been classified as a Variant of Uncertain Significance. Algorithms developed to predict the effect of missense changes on protein structure and function are either unavailable or do not agree on the potential impact of this missense change (SIFT: "Deleterious"; PolyPhen-2: "Benign"; Align-GVGD: "Class C15"). This variant has not been reported in the literature in individuals with PCDH19-related conditions. This variant is not present in population databases (ExAC no frequency). This sequence change replaces threonine with isoleucine at codon 301 of the PCDH19 protein (p.Thr301Ile). The threonine residue is highly conserved and there is a moderate physicochemical difference between threonine and isoleucine.

NM_001184880.2(PCDH19):c.902C>T (p.Thr301Ile)

Gene: PCDH19 (protocadherin 19; minus strand). Cytogenetic location: Xq22.1.
Variant type: single nucleotide variant.
Coding change: c.902C>T on transcript NM_001184880.2 (MANE Select); coding-DNA position 902, C replaced by T.
Protein change: p.Thr301Ile; replaces threonine 301 with isoleucine.
Molecular consequence: missense variant.
Genome position (GRCh38, 1-based): chrX:100,407,696, G>A on the plus strand (C>T on the coding strand, the complement: PCDH19 is on the minus strand). VCF-style: chrX-100407696-G-A. GRCh37 (hg19) VCF-style: chrX-99662694-G-A.
Other names: c.902C>T, p.Thr301Ile (NM_001105243.2, NM_020766.3); short protein forms T301I.
Identifiers: ClinVar variation 935353 (VCV000935353.42), dbSNP rs1928420254, ClinGen allele CA414005050.
Genomic context (GRCh38, chrX:100,407,696, plus strand): 5'-AAGTCCTTAGCCTGCACGTCCAGTTCGTACACGTGCCCCTCTTCGTAGTCTAAAGCGCCA[G>A]TGACAGTGACCAGGCCACTGTGCGGGTCGATCTGAAAGAGCTCGCGCGTGCGGTCGTTGA-3'
Protein context (NP_001171809.1, residues 291-311): IDPHSGLVTV[Thr301Ile]GALDYEEGHV